The following is an entry in ClinVar:

ClinVar aggregate classification (germline): Uncertain significance (1 of 4 stars; one submission).

Submission:

Labcorp Genetics (formerly Invitae), Labcorp
Classification: Uncertain significance. Last evaluated: 2022-05-25. Review status: criteria provided, single submitter. Criteria: Invitae Variant Classification Sherloc (09022015). Collection method: clinical testing. Allele origin: germline.
Comment: In summary, the available evidence is currently insufficient to determine the role of this variant in disease. Therefore, it has been classified as a Variant of Uncertain Significance. Algorithms developed to predict the effect of missense changes on protein structure and function output the following: SIFT: "Tolerated"; PolyPhen-2: "Benign"; Align-GVGD: "Class C0". The glycine amino acid residue is found in multiple mammalian species, which suggests that this missense change does not adversely affect protein function. This variant has not been reported in the literature in individuals affected with ADAMTSL4-related conditions. This variant is not present in population databases (gnomAD no frequency). This sequence change replaces valine, which is neutral and non-polar, with glycine, which is neutral and non-polar, at codon 294 of the ADAMTSL4 protein (p.Val294Gly).

NM_019032.6(ADAMTSL4):c.881T>G (p.Val294Gly)

Genes: ADAMTSL4 (ADAMTS like 4; plus strand), ADAMTSL4-AS2 (ADAMTSL4 antisense RNA 2; minus strand). Cytogenetic location: 1q21.2.
Variant type: single nucleotide variant.
Coding change: c.881T>G on transcript NM_019032.6 (MANE Select); coding-DNA position 881, T replaced by G.
Protein change: p.Val294Gly; replaces valine 294 with glycine.
Molecular consequence: missense variant.
Genome position (GRCh38, 1-based): chr1:150,553,872, T>G. VCF-style: chr1-150553872-T-G. GRCh37 (hg19) VCF-style: chr1-150526348-T-G.
Other names: c.881T>G, p.Val294Gly (NM_001288607.2, NM_001288608.2, NM_001378596.1 and 1 more transcripts); short protein forms V294G.
Identifiers: ClinVar variation 1998460 (VCV001998460.4), dbSNP rs1671707521, ClinGen allele CA342302684.